The following is an entry in ClinVar:

NM_001178015.2(SLC4A10):c.3121G>A (p.Glu1041Lys)

Gene: SLC4A10 (solute carrier family 4 member 10; plus strand). Cytogenetic location: 2q24.2.
Variant type: single nucleotide variant.
Coding change: c.3121G>A on transcript NM_001178015.2 (MANE Select); coding-DNA position 3121, G replaced by A.
Protein change: p.Glu1041Lys; replaces glutamic acid 1041 with lysine.
Molecular consequence: missense variant.
Genome position (GRCh38, 1-based): chr2:161,965,135, G>A. VCF-style: chr2-161965135-G-A. GRCh37 (hg19) VCF-style: chr2-162821645-G-A.
Other names: c.3064G>A, p.Glu1022Lys (NM_001178016.2, NM_001354445.2); c.3121G>A, p.Glu1041Lys (NM_001354440.2); c.3067G>A, p.Glu1023Lys (NM_001354447.2, NM_001354443.2); c.3154G>A, p.Glu1052Lys (NM_001354441.2, NM_001354442.2); c.3061G>A, p.Glu1021Lys (NM_001354448.2); c.3028G>A, p.Glu1010Lys (NM_001354449.2, NM_001354451.2); c.3118G>A, p.Glu1040Lys (NM_001354444.2); c.3031G>A, p.Glu1011Lys (NM_001354450.2, NM_001354446.2, NM_022058.4); and 3 more; short protein forms E1010K, E1011K, E1021K, E1022K, E1023K, E1040K, E1041K, E1052K.
Identifiers: ClinVar variation 2574731 (VCV002574731.1), dbSNP rs1254693801, ClinGen allele CA348985288.
Genomic context (GRCh38, chr2:161,965,135, plus strand): 5'-AAGTTGATGGACTTGTTGTTCACGAAGCGGGAACTCAGCTGGTTGGATGATTTGATGCCC[G>A]AGAGTAAGAAAAAGAAACTGGAAGATGCTGAAAAAGAAGTAAGAGCAAAATCAATGTTTT-3'
Protein context (NP_001171486.1, residues 1031-1051): ELSWLDDLMP[Glu1041Lys]SKKKKLEDAE

ClinVar aggregate classification (germline): Uncertain significance (1 of 4 stars; one submission).

Allele frequency attached by ClinVar (database versions not stated): gnomAD exomes below 0.00001; gnomAD 0.00001; TOPMed 0.00001.
gnomAD v4.1: 2 of 1,611,486 alleles (0.00012%); highest among the groups gnomAD compares: African/African-American, 0.0013%; no homozygotes.

Submission:

GeneDx
Classification: Uncertain significance. Last evaluated: 2022-03-16. Review status: criteria provided, single submitter. Criteria: GeneDx Variant Classification Process June 2021. Collection method: clinical testing. Allele origin: germline. Affected: yes.
Comment: Not observed at significant frequency in large population cohorts (gnomAD); In silico analysis supports that this missense variant has a deleterious effect on protein structure/function; Has not been previously published as pathogenic or benign to our knowledge; Variants in candidate genes are classified as variants of uncertain significance in accordance with ACMG guidelines (Richards et al., 2015)